The following is an entry in ClinVar:

ClinVar aggregate classification (germline): Uncertain significance (1 of 4 stars; one submission).

Allele frequency attached by ClinVar (database versions not stated): gnomAD exomes below 0.00001; TOPMed below 0.00001; ExAC 0.00001.
gnomAD v4.1: 2 of 1,614,032 alleles (0.00012%); highest among the groups gnomAD compares: Non-Finnish European, 0.00017%; no homozygotes.

Submission:

GeneDx
Classification: Uncertain significance. Last evaluated: 2022-12-19. Review status: criteria provided, single submitter. Criteria: GeneDx Variant Classification Process June 2021. Collection method: clinical testing. Allele origin: germline. Affected: yes.
Comment: Not observed at significant frequency in large population cohorts (gnomAD); In silico analysis supports that this missense variant has a deleterious effect on protein structure/function; Has not been previously published as pathogenic or benign to our knowledge

NM_021076.4(NEFH):c.1022C>T (p.Ser341Leu)

Gene: NEFH (neurofilament heavy chain; plus strand). Cytogenetic location: 22q12.2.
Variant type: single nucleotide variant.
Coding change: c.1022C>T on transcript NM_021076.4 (MANE Select); coding-DNA position 1022, C replaced by T.
Protein change: p.Ser341Leu; replaces serine 341 with leucine.
Molecular consequence: missense variant.
Genome position (GRCh38, 1-based): chr22:29,483,513, C>T. VCF-style: chr22-29483513-C-T. GRCh37 (hg19) VCF-style: chr22-29879502-C-T.
Other names: short protein forms S341L.
Identifiers: ClinVar variation 2505809 (VCV002505809.1), dbSNP rs759778175, ClinGen allele CA10174091.